The following is an entry in ClinVar:

ClinVar aggregate classification (germline): Uncertain significance (1 of 4 stars; one submission).

Conditions:
Trichorhinophalangeal dysplasia type I (TRPS1). Also called: TRICHORHINOPHALANGEAL SYNDROME, TYPE I; TRPS I. Identifiers: Orphanet 77258, MedGen C0432233, MONDO:0008596, OMIM 190350.
Trichorhinophalangeal syndrome, type III (TRPS3). Also called: SUGIO-KAJII SYNDROME. Identifiers: Orphanet 77258, MedGen C1860823, OMIM 190351, MONDO:0008597.

gnomAD v4.1: 3 of 1,613,892 alleles (0.00019%); highest among the groups gnomAD compares: South Asian, 0.0022%; no homozygotes.

Submission:

Labcorp Genetics (formerly Invitae), Labcorp
Classification: Uncertain significance for Trichorhinophalangeal syndrome, type III; Trichorhinophalangeal dysplasia type I. Last evaluated: 2024-06-17. Review status: criteria provided, single submitter. Criteria: Invitae Variant Classification Sherloc (09022015). Collection method: clinical testing. Allele origin: germline.
Comment: This sequence change replaces alanine, which is neutral and non-polar, with valine, which is neutral and non-polar, at codon 1180 of the TRPS1 protein (p.Ala1180Val). This variant is present in population databases (no rsID available, gnomAD 0.006%). This variant has not been reported in the literature in individuals affected with TRPS1-related conditions. Advanced modeling of protein sequence and biophysical properties (such as structural, functional, and spatial information, amino acid conservation, physicochemical variation, residue mobility, and thermodynamic stability) performed at Invitae indicates that this missense variant is expected to disrupt TRPS1 protein function with a positive predictive value of 80%. In summary, the available evidence is currently insufficient to determine the role of this variant in disease. Therefore, it has been classified as a Variant of Uncertain Significance.

NM_014112.5(TRPS1):c.3539C>T (p.Ala1180Val)

Gene: TRPS1 (transcriptional repressor GATA binding 1; minus strand). Cytogenetic location: 8q23.3.
Variant type: single nucleotide variant.
Coding change: c.3539C>T on transcript NM_014112.5 (MANE Select); coding-DNA position 3539, C replaced by T.
Protein change: p.Ala1180Val; replaces alanine 1180 with valine.
Molecular consequence: missense variant.
Genome position (GRCh38, 1-based): chr8:115,414,369, G>A on the plus strand (C>T on the coding strand, the complement: TRPS1 is on the minus strand). VCF-style: chr8-115414369-G-A. GRCh37 (hg19) VCF-style: chr8-116426597-G-A.
Other names: c.3512C>T, p.Ala1171Val (NM_001282902.3); c.3518C>T, p.Ala1173Val (NM_001282903.3); c.3500C>T, p.Ala1167Val (NM_001330599.2); short protein forms A1167V, A1171V, A1173V, A1180V.
Identifiers: ClinVar variation 3751489 (VCV003751489.2).